The following is an entry in ClinVar:

NM_001805.4(CEBPE):c.227C>T (p.Ala76Val)

Gene: CEBPE (CCAAT enhancer binding protein epsilon; minus strand). Cytogenetic location: 14q11.2.
Variant type: single nucleotide variant.
Coding change: c.227C>T on transcript NM_001805.4 (MANE Select); coding-DNA position 227, C replaced by T.
Protein change: p.Ala76Val; replaces alanine 76 with valine.
Molecular consequence: missense variant.
Genome position (GRCh38, 1-based): chr14:23,118,865, G>A on the plus strand (C>T on the coding strand, the complement: CEBPE is on the minus strand). VCF-style: chr14-23118865-G-A. GRCh37 (hg19) VCF-style: chr14-23588074-G-A.
Other names: c.227C>T (NM_001805.3); short protein forms A76V.
Identifiers: ClinVar variation 2011070 (VCV002011070.5), dbSNP rs1370239075, ClinGen allele CA388953482.
Genomic context (GRCh38, chr14:23,118,865, plus strand): 5'-CCGAAGGTATGTGGAGGGTAGGCAAAGGGCCGAGGGTCAGGCGGCAAGTAGTGGGGGAAG[G>A]CAGGGGTTCCGGGGCCCTTGAGGCCTCTGGCCTCAGGCGCTGGCTTCACGGCAAAGAGAT-3'
Protein context (NP_001796.2, residues 66-86): ARGLKGPGTP[Ala76Val]FPHYLPPDPR

ClinVar aggregate classification (germline): Uncertain significance. Review status: criteria provided, multiple submitters, no conflicts (2 of 4 stars). 2 submissions from 2 submitters: Uncertain significance (2). Last evaluated 2026-05-12.

Conditions:
CEBPE-related disorder. Also called: CEBPE-related condition.
Specific granule deficiency. Identifiers: Orphanet 169142, MedGen C0398593, MONDO:0009506.

Allele frequency attached by ClinVar (database versions not stated): TOPMed below 0.00001; gnomAD exomes 0.00002.
gnomAD v4.1: 23 of 1,613,926 alleles (0.0014%); highest among the groups gnomAD compares: Non-Finnish European, 0.0019%; no homozygotes.

Submissions (2):

PreventionGenetics, part of Exact Sciences
Classification: Uncertain significance for CEBPE-related condition. Last evaluated: 2026-05-12. Review status: criteria provided, single submitter. Criteria: ACMG Guidelines, 2015. Collection method: clinical testing. Allele origin: germline.
Comment: The CEBPE c.227C>T variant is predicted to result in the amino acid substitution p.Ala76Val. To our knowledge, this variant has not been reported in the literature or in a large population database (gnomAD), indicating this variant is rare. At this time, the clinical significance of this variant is uncertain due to the absence of conclusive functional and genetic evidence.

Labcorp Genetics (formerly Invitae), Labcorp
Classification: Uncertain significance for Specific granule deficiency. Last evaluated: 2022-01-12. Review status: criteria provided, single submitter. Criteria: Invitae Variant Classification Sherloc (09022015). Collection method: clinical testing. Allele origin: germline.
Comment: In summary, the available evidence is currently insufficient to determine the role of this variant in disease. Therefore, it has been classified as a Variant of Uncertain Significance. This variant is not present in population databases (gnomAD no frequency). This variant has not been reported in the literature in individuals affected with CEBPE-related conditions. Algorithms developed to predict the effect of missense changes on protein structure and function (SIFT, PolyPhen-2, Align-GVGD) all suggest that this variant is likely to be tolerated. This sequence change replaces alanine, which is neutral and non-polar, with valine, which is neutral and non-polar, at codon 76 of the CEBPE protein (p.Ala76Val).